The following is an entry in ClinVar:

ClinVar aggregate classification (germline): Conflicting classifications of pathogenicity. Review status: criteria provided, conflicting classifications (1 of 4 stars). 5 submissions from 5 submitters: Uncertain significance (1); Likely benign (3). 1 of the submissions does not count toward it. Last evaluated 2026-05-27.

Conditions:
LAMA1-related disorder. Also called: LAMA1-related disorders; LAMA1-related condition.

Allele frequency attached by ClinVar (database versions not stated): gnomAD exomes 0.00028; ExAC 0.00034; 1000 Genomes Project 0.00040; 1000 Genomes Project 30x 0.00047; ESP Exome Variant Server 0.00108; gnomAD 0.00113 and 0.00126; TOPMed 0.00133.

Submissions (5):

Women's Health and Genetics/Laboratory Corporation of America, LabCorp
Classification: Likely benign. Last evaluated: 2026-05-27. Review status: criteria provided, single submitter. Criteria: LabCorp Variant Classification Summary - May 2015. Collection method: clinical testing. Allele origin: germline.
Comment: Variant summary: LAMA1 c.6250C>T (p.Arg2084Trp) results in a non-conservative amino acid change in the encoded protein sequence. Algorithms developed to predict the effect of missense changes on protein structure and function are either unavailable or do not agree on the potential impact of this missense change. The variant allele was found at a frequency of 0.00028 in 251268 control chromosomes, predominantly at a frequency of 0.0038 within the African or African-American subpopulation in the gnomAD database. The observed variant frequency within African or African-American control individuals in the gnomAD database exceeds the estimated maximal expected allele frequency for disease-causing variants in LAMA1. To our knowledge, no occurrence of c.6250C>T in individuals affected with LAMA1-related conditions and no experimental evidence demonstrating its impact on protein function have been reported. ClinVar contains an entry for this variant (Variation ID: 707826). Based on the evidence outlined above, the variant was classified as likely benign.

Labcorp Genetics (formerly Invitae), Labcorp
Classification: Likely benign. Last evaluated: 2026-01-05. Review status: criteria provided, single submitter. Criteria: Invitae Variant Classification Sherloc (09022015). Collection method: clinical testing. Allele origin: germline.

Blueprint Genetics
Classification: Likely benign. Last evaluated: 2024-08-09. Review status: criteria provided, single submitter. Criteria: ACMG Guidelines, 2015. Collection method: clinical testing. Allele origin: germline.

GeneDx
Classification: Uncertain significance. Last evaluated: 2023-04-10. Review status: criteria provided, single submitter. Criteria: GeneDx Variant Classification Process June 2021. Collection method: clinical testing. Allele origin: germline. Affected: yes.
Comment: In silico analysis supports that this missense variant has a deleterious effect on protein structure/function; Has not been previously published as pathogenic or benign to our knowledge

PreventionGenetics, part of Exact Sciences
Classification: Likely benign for LAMA1-related condition. Last evaluated: 2022-06-21. Review status: no assertion criteria provided. Collection method: clinical testing. Allele origin: germline. Not counted in ClinVar's aggregate classification.
Comment: This variant is classified as likely benign based on ACMG/AMP sequence variant interpretation guidelines (Richards et al. 2015 PMID: 25741868, with internal and published modifications).

NM_005559.4(LAMA1):c.6250C>T (p.Arg2084Trp)

Gene: LAMA1 (laminin subunit alpha 1; minus strand). Cytogenetic location: 18p11.31.
Variant type: single nucleotide variant.
Coding change: c.6250C>T on transcript NM_005559.4 (MANE Select); coding-DNA position 6250, C replaced by T.
Protein change: p.Arg2084Trp; replaces arginine 2084 with tryptophan.
Molecular consequence: missense variant.
Genome position (GRCh38, 1-based): chr18:6,977,822, G>A on the plus strand (C>T on the coding strand, the complement: LAMA1 is on the minus strand). VCF-style: chr18-6977822-G-A. GRCh37 (hg19) VCF-style: chr18-6977821-G-A.
Other names: short protein forms R2084W.
Identifiers: ClinVar variation 707826 (VCV000707826.14), dbSNP rs146111631, ClinGen allele CA8881301.
Genomic context (GRCh38, chr18:6,977,822, plus strand): 5'-GTTTAATTTCTGATAGGTTTCTGCTCAGATTCTCCTCTAACATCTTCAAAGGCTTCAACC[G>A]ATCAAACAAAAGGTTGGCTTGAATTTCCACGTCTTTGACTTTTCTTCCAGCCAACAGAGC-3'
Protein context (NP_005550.2, residues 2074-2094): VEIQANLLFD[Arg2084Trp]LKPLKMLEEN